The following is an entry in ClinVar:

ClinVar aggregate classification (germline): Uncertain significance. Review status: criteria provided, multiple submitters, no conflicts (2 of 4 stars). 2 submissions from 2 submitters: Uncertain significance (2). Last evaluated 2025-10-07.

Conditions:
BICD1-related condition.

Allele frequency attached by ClinVar (database versions not stated): ExAC 0.00030; 1000 Genomes Project 0.00040; gnomAD 0.00048; gnomAD exomes 0.00049; TOPMed 0.00052; 1000 Genomes Project 30x 0.00062; ESP Exome Variant Server 0.00062.
gnomAD v4.1: 778 of 1,614,082 alleles (0.048%); highest among the groups gnomAD compares: Admixed American, 0.11%; no homozygotes.

Submissions (2):

PreventionGenetics, part of Exact Sciences
Classification: Uncertain significance for BICD1-related condition. Last evaluated: 2025-10-07. Review status: criteria provided, single submitter. Criteria: ACMG Guidelines, 2015. Collection method: clinical testing. Allele origin: germline.
Comment: The BICD1 c.1085C>T variant is predicted to result in the amino acid substitution p.Thr362Met. To our knowledge, this variant has not been reported in the literature. This variant is reported in 0.088% of alleles in individuals of Latino descent in gnomAD. Although we suspect that this variant may be benign, at this time, the clinical significance of this variant is uncertain due to the absence of conclusive functional and genetic evidence.

Ambry Genetics
Classification: Uncertain significance. Last evaluated: 2021-09-09. Review status: criteria provided, single submitter. Criteria: Ambry Variant Classification Scheme 2023. Collection method: clinical testing. Allele origin: germline.

NM_001714.4(BICD1):c.1085C>T (p.Thr362Met)

Gene: BICD1 (BICD cargo adaptor 1; plus strand). Cytogenetic location: 12p11.21.
Variant type: single nucleotide variant.
Coding change: c.1085C>T on transcript NM_001714.4 (MANE Select); coding-DNA position 1085, C replaced by T.
Protein change: p.Thr362Met; replaces threonine 362 with methionine.
Molecular consequence: missense variant. On other transcripts: non-coding transcript variant (1).
Genome position (GRCh38, 1-based): chr12:32,327,540, C>T. VCF-style: chr12-32327540-C-T. GRCh37 (hg19) VCF-style: chr12-32480474-C-T.
Other names: c.1085C>T, p.Thr362Met (NM_001003398.3, NM_001354186.2, NM_001354187.2 and 16 more transcripts); c.1118C>T, p.Thr373Met (NM_001413168.1, NM_001413170.1); c.659C>T, p.Thr220Met (NM_001413171.1); c.1085C>T (NM_001354186.1); short protein forms T373M, T362M, T220M.
Identifiers: ClinVar variation 2243022 (VCV002243022.3), dbSNP rs144146678, ClinGen allele CA6506162.